The following is an entry in ClinVar:

ClinVar aggregate classification (germline): Uncertain significance. Review status: criteria provided, multiple submitters, no conflicts (2 of 4 stars). 2 submissions from 2 submitters: Uncertain significance (2). Last evaluated 2025-08-10.

Conditions:
Hereditary cancer-predisposing syndrome. Also called: Tumor predisposition; Hereditary neoplastic syndrome; Hereditary Cancer Syndrome; Neoplastic Syndromes, Hereditary. Identifiers: Orphanet 140162, MedGen C0027672, MeSH D009386, MONDO:0015356.
Carney complex, type 1 (CNC1). Also called: CARNEY MYXOMA-ENDOCRINE COMPLEX; CARNEY COMPLEX, TYPE I. Identifiers: Orphanet 1359, MedGen C2607929, MONDO:0008057, OMIM 160980.

Submissions (2):

Labcorp Genetics (formerly Invitae), Labcorp
Classification: Uncertain significance for Carney complex, type 1. Last evaluated: 2025-08-10. Review status: criteria provided, single submitter. Criteria: Invitae Variant Classification Sherloc (09022015). Collection method: clinical testing. Allele origin: germline.
Comment: This sequence change replaces aspartic acid, which is acidic and polar, with alanine, which is neutral and non-polar, at codon 76 of the PRKAR1A protein (p.Asp76Ala). This variant is not present in population databases (gnomAD no frequency). This variant has not been reported in the literature in individuals affected with PRKAR1A-related conditions. ClinVar contains an entry for this variant (Variation ID: 3938092). Invitae Evidence Modeling of protein sequence and biophysical properties (such as structural, functional, and spatial information, amino acid conservation, physicochemical variation, residue mobility, and thermodynamic stability) indicates that this missense variant is not expected to disrupt PRKAR1A protein function with a negative predictive value of 95%. In summary, the available evidence is currently insufficient to determine the role of this variant in disease. Therefore, it has been classified as a Variant of Uncertain Significance.

Ambry Genetics
Classification: Uncertain significance for Hereditary cancer-predisposing syndrome. Last evaluated: 2025-04-14. Review status: criteria provided, single submitter. Criteria: Ambry Variant Classification Scheme 2023. Collection method: clinical testing. Allele origin: germline.
Comment: The p.D76A variant (also known as c.227A>C), located in coding exon 2 of the PRKAR1A gene, results from an A to C substitution at nucleotide position 227. The aspartic acid at codon 76 is replaced by alanine, an amino acid with dissimilar properties. This amino acid position is conserved. In addition, this alteration is predicted to be deleterious by in silico analysis. Based on the available evidence, the clinical significance of this variant remains unclear.

NM_002734.5(PRKAR1A):c.227A>C (p.Asp76Ala)

Gene: PRKAR1A (protein kinase cAMP-dependent type I regulatory subunit alpha; plus strand). Cytogenetic location: 17q24.2.
Variant type: single nucleotide variant.
Coding change: c.227A>C on transcript NM_002734.5 (MANE Select); coding-DNA position 227, A replaced by C.
Protein change: p.Asp76Ala; replaces aspartic acid 76 with alanine.
Molecular consequence: missense variant.
Genome position (GRCh38, 1-based): chr17:68,522,805, A>C. VCF-style: chr17-68522805-A-C. GRCh37 (hg19) VCF-style: chr17-66518946-A-C.
Other names: c.227A>C, p.Asp76Ala (NM_001276289.2, NM_001276290.1, NM_001278433.2 and 4 more transcripts); short protein forms D76A.
Identifiers: ClinVar variation 3938092 (VCV003938092.2).